The following is an entry in ClinVar:

NM_017777.4(MKS1):c.*63C>G

Gene: MKS1 (MKS transition zone complex subunit 1; minus strand). Cytogenetic location: 17q22.
Variant type: single nucleotide variant.
Coding change: c.*63C>G on transcript NM_017777.4 (MANE Select); 63 bases downstream of the stop codon, C replaced by G.
Molecular consequence: 3 prime UTR variant. On other transcripts: missense variant (1).
Genome position (GRCh38, 1-based): chr17:58,206,016, G>C on the plus strand (C>G on the coding strand, the complement: MKS1 is on the minus strand). VCF-style: chr17-58206016-G-C. GRCh37 (hg19) VCF-style: chr17-56283377-G-C.
Other names: c.*63C>G (NM_001321268.2); c.1660C>G, p.Leu554Val (NM_001321269.2); c.*155C>G (NM_001330397.2); short protein forms L554V.
Identifiers: ClinVar variation 3347589 (VCV003347589.1).

ClinVar aggregate classification (germline): Uncertain significance (0 of 4 stars; one submission).

Conditions:
MKS1-related disorder. Also called: MKS1-related condition; MKS1-related disorders. Identifiers: MedGen CN239382.

Submission:

PreventionGenetics, part of Exact Sciences
Classification: Uncertain significance for MKS1-related condition. Last evaluated: 2024-06-27. Review status: no assertion criteria provided. Collection method: clinical testing. Allele origin: germline.
Comment: The MKS1 c.1660C>G variant is predicted to result in the amino acid substitution p.Leu554Val. In the primary transcript used by HGMD, this variant is found within a non-coding region (NM_017777.3:c.*63C>G). The alternate transcript (NM_001321269) may not be expressed, based on gnomAD transcript curation and GTEx expression data. To our knowledge, this variant has not been reported in the literature. This variant is reported in 0.029% of alleles in individuals of European (Finnish) descent in gnomAD. At this time, the clinical significance of this variant is uncertain due to the absence of conclusive functional and genetic evidence.